The following is an entry in ClinVar:

NM_003764.4(STX11):c.399C>G (p.Asn133Lys)

Gene: STX11 (syntaxin 11; plus strand). Cytogenetic location: 6q24.2.
Variant type: single nucleotide variant.
Coding change: c.399C>G on transcript NM_003764.4 (MANE Select); coding-DNA position 399, C replaced by G.
Protein change: p.Asn133Lys; replaces asparagine 133 with lysine.
Molecular consequence: missense variant.
Genome position (GRCh38, 1-based): chr6:144,187,026, C>G. VCF-style: chr6-144187026-C-G. GRCh37 (hg19) VCF-style: chr6-144508163-C-G.
Other names: short protein forms N133K.
Identifiers: ClinVar variation 1421157 (VCV001421157.5), dbSNP rs755682422, ClinGen allele CA4031700.
Genomic context (GRCh38, chr6:144,187,026, plus strand): 5'-GGCTGAGGCCCAGCACGGCCCGCACTCGGCAGTGGCGCGCATTTCGCGGGCGCAGTACAA[C>G]GCGCTCACCCTCACCTTCCAGCGCGCCATGCACGACTACAACCAGGCCGAGATGAAGCAG-3'
Protein context (NP_003755.2, residues 123-143): AVARISRAQY[Asn133Lys]ALTLTFQRAM

ClinVar aggregate classification (germline): Uncertain significance (1 of 4 stars; one submission).

Conditions:
Familial hemophagocytic lymphohistiocytosis 4 (FHL4). Also called: STX11-Related Familial Hemophagocytic Lymphohistiocytosis (STX11-fHLH). Identifiers: Orphanet 540, MedGen C1863728, MONDO:0011336, OMIM 603552.

Allele frequency attached by ClinVar (database versions not stated): gnomAD exomes below 0.00001 and 0.00001; TOPMed below 0.00001; ExAC 0.00001; gnomAD 0.00001.
gnomAD v4.1: 4 of 1,612,084 alleles (0.00025%); highest among the groups gnomAD compares: Non-Finnish European, 0.00034%; no homozygotes.

Submission:

Labcorp Genetics (formerly Invitae), Labcorp
Classification: Uncertain significance for Familial hemophagocytic lymphohistiocytosis 4. Last evaluated: 2021-09-01. Review status: criteria provided, single submitter. Criteria: Invitae Variant Classification Sherloc (09022015). Collection method: clinical testing. Allele origin: germline.
Comment: This sequence change replaces asparagine with lysine at codon 133 of the STX11 protein (p.Asn133Lys). The asparagine residue is weakly conserved and there is a moderate physicochemical difference between asparagine and lysine. This variant is present in population databases (rs755682422, ExAC 0.002%). This variant has not been reported in the literature in individuals affected with STX11-related conditions. Algorithms developed to predict the effect of missense changes on protein structure and function (SIFT, PolyPhen-2, Align-GVGD) all suggest that this variant is likely to be tolerated. In summary, the available evidence is currently insufficient to determine the role of this variant in disease. Therefore, it has been classified as a Variant of Uncertain Significance.